The following is an entry in ClinVar:

NM_021930.6(RINT1):c.2016A>C (p.Lys672Asn)

Genes: EFCAB10 (EF-hand calcium binding domain 10; minus strand), RINT1 (RAD50 interactor 1; plus strand). Cytogenetic location: 7q22.3.
Variant type: single nucleotide variant.
Coding change: c.2016A>C on transcript NM_021930.6 (MANE Select); coding-DNA position 2016, A replaced by C.
Protein change: p.Lys672Asn; replaces lysine 672 with asparagine.
Molecular consequence: missense variant. On other transcripts: 3 prime UTR variant (2), non-coding transcript variant (1).
Genome position (GRCh38, 1-based): chr7:105,565,406, A>C. VCF-style: chr7-105565406-A-C. GRCh37 (hg19) VCF-style: chr7-105205853-A-C.
Other names: c.*41T>G (NM_001355526.2); c.*143T>G (NM_001355530.2); c.401T>G, p.Phe134Cys (NM_001355531.2); c.1782A>C, p.Lys594Asn (NM_001346599.2); c.993A>C, p.Lys331Asn (NM_001346600.2, NM_001346603.2); c.1092A>C, p.Lys364Asn (NM_001346601.2); short protein forms K331N, K364N, K672N, F134C, K594N.
Identifiers: ClinVar variation 834102 (VCV000834102.10), dbSNP rs754306128, ClinGen allele CA4426838.

ClinVar aggregate classification (germline): Uncertain significance. Review status: criteria provided, multiple submitters, no conflicts (2 of 4 stars). 2 submissions from 2 submitters: Uncertain significance (2). Last evaluated 2025-12-22.

Allele frequency attached by ClinVar (database versions not stated): gnomAD exomes 0.00001; ExAC 0.00002.
gnomAD v4.1: 5 of 1,614,156 alleles (0.00031%); highest among the groups gnomAD compares: South Asian, 0.0022%; no homozygotes.

Submissions (2):

Ambry Genetics
Classification: Uncertain significance. Last evaluated: 2025-12-22. Review status: criteria provided, single submitter. Criteria: Ambry Variant Classification Scheme 2023. Collection method: clinical testing. Allele origin: germline.
Comment: The p.K672N variant (also known as c.2016A>C), located in coding exon 13 of the RINT1 gene, results from an A to C substitution at nucleotide position 2016. The lysine at codon 672 is replaced by asparagine, an amino acid with similar properties. This amino acid position is conserved. In addition, this alteration is predicted to be tolerated by in silico analysis. Based on the available evidence, the clinical significance of this variant remains unclear.

Labcorp Genetics (formerly Invitae), Labcorp
Classification: Uncertain significance. Last evaluated: 2023-02-23. Review status: criteria provided, single submitter. Criteria: Invitae Variant Classification Sherloc (09022015). Collection method: clinical testing. Allele origin: germline.
Comment: This sequence change replaces lysine, which is basic and polar, with asparagine, which is neutral and polar, at codon 672 of the RINT1 protein (p.Lys672Asn). This variant is present in population databases (rs754306128, gnomAD 0.003%). This variant has not been reported in the literature in individuals affected with RINT1-related conditions. ClinVar contains an entry for this variant (Variation ID: 834102). An algorithm developed to predict the effect of missense changes on protein structure and function (PolyPhen-2) suggests that this variant is likely to be tolerated. In summary, the available evidence is currently insufficient to determine the role of this variant in disease. Therefore, it has been classified as a Variant of Uncertain Significance.